The following is an entry in ClinVar:

ClinVar aggregate classification (germline): Pathogenic/Likely pathogenic. Review status: criteria provided, multiple submitters, no conflicts (2 of 4 stars). 4 submissions from 4 submitters: Pathogenic (1); Likely pathogenic (1). 2 of the submissions do not count toward it. Last evaluated 2024-04-03.

Conditions:
Neurofibromatosis, type 1 (NF1). Also called: Peripheral type neurofibromatosis; VON RECKLINGHAUSEN DISEASE; NEUROFIBROMATOSIS, TYPE I, SOMATIC; Neurofibromatosis, type I. Identifiers: Orphanet 636, MedGen C0027831, MONDO:0018975, OMIM 162200. Disease mechanism: loss of function.
NF1-related disorder. Also called: NF1-related condition. Identifiers: MedGen CN379171.

gnomAD v4.1: 1 of 1,612,662 alleles (0.000062%); highest among the groups gnomAD compares: Non-Finnish European, 0.000085%; no homozygotes.

Submissions (4):

Labcorp Genetics (formerly Invitae), Labcorp
Classification: Pathogenic for Neurofibromatosis, type 1. Last evaluated: 2024-04-03. Review status: criteria provided, single submitter. Criteria: Invitae Variant Classification Sherloc (09022015). Collection method: clinical testing. Allele origin: germline.
Comment: This sequence change affects a donor splice site in intron 13 of the NF1 gene. It is expected to disrupt RNA splicing. Variants that disrupt the donor or acceptor splice site typically lead to a loss of protein function (PMID: 16199547), and loss-of-function variants in NF1 are known to be pathogenic (PMID: 10712197, 23913538). This variant is not present in population databases (gnomAD no frequency). Disruption of this splice site has been observed in individuals with neurofibromatosis type 1 (PMID: 10451518, 15060124). ClinVar contains an entry for this variant (Variation ID: 431589). Algorithms developed to predict the effect of sequence changes on RNA splicing suggest that this variant may disrupt the consensus splice site. For these reasons, this variant has been classified as Pathogenic.

Genetics and Molecular Pathology, SA Pathology
Classification: Likely pathogenic for Neurofibromatosis, type 1. Last evaluated: 2021-12-02. Review status: criteria provided, single submitter. Criteria: ACMG Guidelines, 2015. Collection method: clinical testing. Allele origin: germline. Inheritance: Autosomal recessive inheritance. Affected: yes.

PreventionGenetics, part of Exact Sciences
Classification: Pathogenic for NF1-related condition. Last evaluated: 2023-11-30. Review status: no assertion criteria provided. Collection method: clinical testing. Allele origin: germline. Not counted in ClinVar's aggregate classification.
Comment: The NF1 c.1527+1G>C variant is predicted to disrupt the GT donor site and interfere with normal splicing. This variant has been reported in an individual with neurofibromatosis type 1 (see for example - Mattocks et al. 2004. PubMed ID: 15060124). This variant has not been reported in a large population database, indicating this variant is rare. Variants that disrupt the consensus splice donor site in NF1 are expected to be pathogenic and alternate nucleotide substitutions affecting this nucleotide (c.1527+1G>A, c.1527+1G>T) have been reported as pathogenic (Pros et al. 2008. PubMed ID: 18546366). This variant is interpreted as pathogenic.

Medical Genetics, University of Parma
Classification: Likely pathogenic for Neurofibromatosis type 1. Last evaluated: 2017-02-02. Review status: no assertion criteria provided. Collection method: clinical testing. Allele origin: germline. Affected: yes. Not counted in ClinVar's aggregate classification.

Literature cited by the submitters: PubMed 16199547 (cited by Labcorp Genetics (formerly Invitae), Labcorp); PubMed 10712197 (cited by Labcorp Genetics (formerly Invitae), Labcorp); PubMed 23913538 (cited by Labcorp Genetics (formerly Invitae), Labcorp); PubMed 10451518 (cited by Labcorp Genetics (formerly Invitae), Labcorp); PubMed 15060124 (cited by Labcorp Genetics (formerly Invitae), Labcorp).

NM_001042492.3(NF1):c.1527+1G>C

Gene: NF1 (neurofibromin 1; plus strand). Cytogenetic location: 17q11.2.
Variant type: single nucleotide variant.
Coding change: c.1527+1G>C on transcript NM_001042492.3 (MANE Select); the canonical splice donor site of the intron after coding-DNA position 1527, G replaced by C.
Molecular consequence: splice donor variant.
Genome position (GRCh38, 1-based): chr17:31,214,586, G>C. VCF-style: chr17-31214586-G-C. GRCh37 (hg19) VCF-style: chr17-29541604-G-C.
Other names: c.1527+1G>C (NM_000267.4, NM_001128147.3).
Identifiers: ClinVar variation 431589 (VCV000431589.12), dbSNP rs1060500331, ClinGen allele CA399001712.